The following is an entry in ClinVar:

ClinVar aggregate classification (germline): Likely benign. Review status: criteria provided, multiple submitters, no conflicts (2 of 4 stars). 2 submissions from 2 submitters: Likely benign (2). Last evaluated 2025-07-20.

Conditions:
Peroxisome biogenesis disorder 11A (Zellweger). Also called: Peroxisome biogenesis disorder 11A. Identifiers: Orphanet 912, MedGen C3554000, MONDO:0013949, OMIM 614883.
PEX13-related disorder. Also called: PEX13-related condition; PEX13-related disorders.

Submissions (2):

PreventionGenetics, part of Exact Sciences
Classification: Likely benign for PEX13-related condition. Last evaluated: 2025-07-20. Review status: criteria provided, single submitter. Criteria: ACMG Guidelines, 2015. Collection method: clinical testing. Allele origin: germline.
Comment: This variant is classified as likely benign based on ACMG/AMP sequence variant interpretation guidelines (Richards et al. 2015 PMID: 25741868, with internal and published modifications).

Labcorp Genetics (formerly Invitae), Labcorp
Classification: Likely benign for Peroxisome biogenesis disorder 11A (Zellweger). Last evaluated: 2023-09-25. Review status: criteria provided, single submitter. Criteria: Invitae Variant Classification Sherloc (09022015). Collection method: clinical testing. Allele origin: germline.

NM_002618.4(PEX13):c.124A>C (p.Arg42=)

Gene: PEX13 (peroxisomal biogenesis factor 13; plus strand). Cytogenetic location: 2p15.
Variant type: single nucleotide variant.
Coding change: c.124A>C on transcript NM_002618.4 (MANE Select); coding-DNA position 124, A replaced by C.
Protein change: p.Arg42=; no amino-acid change (arginine 42 retained).
Molecular consequence: synonymous variant.
Genome position (GRCh38, 1-based): chr2:61,031,450, A>C. VCF-style: chr2-61031450-A-C. GRCh37 (hg19) VCF-style: chr2-61258585-A-C.
Other names: c.124A>C (NM_002618.3).
Identifiers: ClinVar variation 2850622 (VCV002850622.4), dbSNP rs2467507368, ClinGen allele CA426411469.